The following is an entry in ClinVar:

ClinVar aggregate classification (germline): Benign/Likely benign. Review status: criteria provided, multiple submitters, no conflicts (2 of 4 stars). 4 submissions from 4 submitters: Benign (1); Likely benign (3). Last evaluated 2024-07-26.

Conditions:
Hereditary cancer-predisposing syndrome. Also called: Neoplastic Syndromes, Hereditary; Tumor predisposition; Hereditary neoplastic syndrome; Hereditary Cancer Syndrome. Identifiers: Orphanet 140162, MedGen C0027672, MeSH D009386, MONDO:0015356.
Familial cancer of breast. Also called: BREAST CANCER, FAMILIAL; Hereditary breast cancer; hereditary breast carcinoma. Identifiers: Orphanet 227535, MedGen C0346153, MONDO:0016419, OMIM 114480. Disease mechanism: loss of function.

Submissions (4):

Myriad Genetics, Inc.
Classification: Benign for Familial cancer of breast. Last evaluated: 2024-07-26. Review status: criteria provided, single submitter. Criteria: Myriad Autosomal Dominant, Autosomal Recessive and X-Linked Classification Criteria (2023). Collection method: clinical testing. Allele origin: unknown.
Comment: This variant is considered benign. This variant is a silent/synonymous amino acid change and it is not expected to impact splicing.

Labcorp Genetics (formerly Invitae), Labcorp
Classification: Likely benign for Familial cancer of breast. Last evaluated: 2021-02-08. Review status: criteria provided, single submitter. Criteria: Invitae Variant Classification Sherloc (09022015). Collection method: clinical testing. Allele origin: germline.

Color Diagnostics, LLC DBA Color Health
Classification: Likely benign for Hereditary cancer-predisposing syndrome. Last evaluated: 2018-09-24. Review status: criteria provided, single submitter. Criteria: ACMG Guidelines, 2015. Collection method: clinical testing. Allele origin: germline.

Ambry Genetics
Classification: Likely benign for Hereditary cancer-predisposing syndrome. Last evaluated: 2018-05-23. Review status: criteria provided, single submitter. Criteria: Ambry Variant Classification Scheme 2023. Collection method: clinical testing. Allele origin: germline.

NM_000465.4(BARD1):c.1770A>G (p.Val590=)

Gene: BARD1 (BRCA1 associated RING domain 1; minus strand). Cytogenetic location: 2q35.
Variant type: single nucleotide variant.
Coding change: c.1770A>G on transcript NM_000465.4 (MANE Select); coding-DNA position 1770, A replaced by G.
Protein change: p.Val590=; no amino-acid change (valine 590 retained).
Molecular consequence: synonymous variant. On other transcripts: non-coding transcript variant (3), intron variant (1).
Genome position (GRCh38, 1-based): chr2:214,745,762, T>C on the plus strand (A>G on the coding strand, the complement: BARD1 is on the minus strand). VCF-style: chr2-214745762-T-C. GRCh37 (hg19) VCF-style: chr2-215610486-T-C.
Other names: c.1713A>G, p.Val571= (NM_001282543.2); c.417A>G, p.Val139= (NM_001282545.2); c.360A>G, p.Val120= (NM_001282548.2); c.365-15254A>G (NM_001282549.2).
Identifiers: ClinVar variation 629238 (VCV000629238.16), dbSNP rs946016547, ClinGen allele CA431145876.